The following is an entry in ClinVar:

NM_000836.4(GRIN2D):c.2604G>A (p.Leu868=)

Gene: GRIN2D (glutamate ionotropic receptor NMDA type subunit 2D; plus strand). Cytogenetic location: 19q13.33.
Variant type: single nucleotide variant.
Coding change: c.2604G>A on transcript NM_000836.4 (MANE Select); coding-DNA position 2604, G replaced by A.
Protein change: p.Leu868=; no amino-acid change (leucine 868 retained).
Molecular consequence: synonymous variant.
Genome position (GRCh38, 1-based): chr19:48,442,313, G>A. VCF-style: chr19-48442313-G-A. GRCh37 (hg19) VCF-style: chr19-48945570-G-A.
Identifiers: ClinVar variation 2650201 (VCV002650201.24), dbSNP rs775303118, ClinGen allele CA9550778.

ClinVar aggregate classification (germline): Likely benign (1 of 4 stars; one submission).

Allele frequency attached by ClinVar (database versions not stated): ExAC 0.00001; gnomAD exomes 0.00001.

Submission:

CeGaT Center for Human Genetics Tuebingen
Classification: Likely benign. Last evaluated: 2022-06-01. Review status: criteria provided, single submitter. Criteria: CeGaT Center For Human Genetics Tuebingen Variant Classification Criteria Version 2. Collection method: clinical testing. Allele origin: germline. Affected: yes. Observed: 1 variant allele.
Comment: GRIN2D: BP4, BP7